The following is an entry in ClinVar:

NC_000009.12:g.(?_127819602)_(127820057_?)del

Genes: ENG (endoglin; minus strand), LOC102723566 (uncharacterized LOC102723566; plus strand). Cytogenetic location: 9q34.11.
Variant type: Deletion.
Identifiers: ClinVar variation 664458 (VCV000664458.2).

ClinVar aggregate classification (germline): Pathogenic (1 of 4 stars; one submission).

Conditions:
Hereditary hemorrhagic telangiectasia (HHT). Also called: ORW DISEASE; Osler Weber Rendu syndrome; OSLER-RENDU-WEBER DISEASE; Osler hemorrhagic telangiectasia syndrome. Identifiers: Orphanet 774, MedGen C0039445, MONDO:0019180. Disease mechanism: loss of function.

Submission:

Labcorp Genetics (formerly Invitae), Labcorp
Classification: Pathogenic for Hereditary hemorrhagic telangiectasia. Last evaluated: 2019-02-25. Review status: criteria provided, single submitter. Criteria: Invitae Variant Classification Sherloc (09022015). Collection method: clinical testing. Allele origin: germline.
Comment: This variant is an in-frame deletion of the genomic region encompassing exons 9-10 of the ENG gene. It preserves the integrity of the reading frame. Similar deletions are also known as exons 9A-9B deletions in the literature. Variants that disrupt the p.Cys412 amino acid residue in ENG has been observed in affected individuals (PMID: 24196379, 25312062, 15024723, Invitae). This suggests that it is a clinically significant residue, and that other variants that disrupt this residue are likely to be causative of disease. For these reasons, this variant has been classified as Pathogenic.

Literature cited by the submitters: PubMed 20414677; PubMed 25312062; PubMed 24196379; PubMed 15024723.